The following is an entry in ClinVar:

ClinVar aggregate classification (germline): Pathogenic (1 of 4 stars; one submission).

Conditions:
Hereditary cancer-predisposing syndrome. Also called: Neoplastic Syndromes, Hereditary; Tumor predisposition; Hereditary neoplastic syndrome; Hereditary Cancer Syndrome. Identifiers: Orphanet 140162, MedGen C0027672, MeSH D009386, MONDO:0015356.

Allele frequency attached by ClinVar (database versions not stated): gnomAD exomes below 0.00001; ExAC 0.00001.

Submission:

Ambry Genetics
Classification: Pathogenic for Hereditary cancer-predisposing syndrome. Last evaluated: 2018-08-15. Review status: criteria provided, single submitter. Criteria: Ambry Variant Classification Scheme 2023. Collection method: clinical testing. Allele origin: germline.
Comment: The c.387dupA variant, located in coding exon 4 of the ATM gene, results from a duplication of A at nucleotide position 387, causing a translational frameshift with a predicted alternate stop codon (p.D130Rfs*4). This alteration is expected to result in loss of function by premature protein truncation or nonsense-mediated mRNA decay. As such, this alteration is interpreted as a disease-causing mutation.

NM_000051.4(ATM):c.387dup (p.Asp130fs)

Gene: ATM (ATM serine/threonine kinase; plus strand). Cytogenetic location: 11q22.3.
Variant type: Duplication.
Coding change: c.387dup on transcript NM_000051.4 (MANE Select); coding-DNA position 387, one base duplicated (A; older notation c.387dupA).
Protein change: p.Asp130fs; shifts the reading frame from aspartic acid 130.
Molecular consequence: frameshift variant.
Genome position (GRCh38, 1-based): chr11:108,235,725, A duplicated; the last of 3 consecutive A bases (chr11:108,235,723-108,235,725); duplicating any one gives the same sequence. VCF-style (leftmost placement, unchanged base first): chr11-108235722-G-GA. GRCh37 (hg19) VCF-style: chr11-108106449-G-GA.
Other names: c.387dup, p.Asp130fs (NM_001351834.2); short protein forms D130fs.
Identifiers: ClinVar variation 824330 (VCV000824330.4), dbSNP rs745642834, ClinGen allele CA915947713.